The following is an entry in ClinVar:

NM_003872.3(NRP2):c.2327T>C (p.Ile776Thr)

Gene: NRP2 (neuropilin 2; plus strand). Cytogenetic location: 2q33.3.
Variant type: single nucleotide variant.
Coding change: c.2327T>C on transcript NM_003872.3 (MANE Select); coding-DNA position 2327, T replaced by C.
Protein change: p.Ile776Thr; replaces isoleucine 776 with threonine.
Molecular consequence: missense variant.
Genome position (GRCh38, 1-based): chr2:205,765,493, T>C. VCF-style: chr2-205765493-T-C. GRCh37 (hg19) VCF-style: chr2-206630217-T-C.
Other names: c.2327T>C, p.Ile776Thr (NM_018534.4, NM_201266.2, NM_201267.2 and 1 more transcripts); short protein forms I776T.
Identifiers: ClinVar variation 3353885 (VCV003353885.1).

ClinVar aggregate classification (germline): Uncertain significance (0 of 4 stars; one submission).

Conditions:
NRP2-related disorder. Also called: NRP2-related condition.

gnomAD v4.1: 3 of 1,613,934 alleles (0.00019%); highest among the groups gnomAD compares: South Asian, 0.0022%; no homozygotes.

Submission:

PreventionGenetics, part of Exact Sciences
Classification: Uncertain significance for NRP2-related condition. Last evaluated: 2023-12-14. Review status: no assertion criteria provided. Collection method: clinical testing. Allele origin: germline.
Comment: The NRP2 c.2327T>C variant is predicted to result in the amino acid substitution p.Ile776Thr. To our knowledge, this variant has not been reported in the literature. This variant is reported in 0.011% of alleles in individuals of African descent in gnomAD. At this time, the clinical significance of this variant is uncertain due to the absence of conclusive functional and genetic evidence.